The following is an entry in ClinVar:

NM_001267550.2(TTN):c.75148G>T (p.Glu25050Ter)

Genes: TTN-AS1 (TTN antisense RNA 1; plus strand), TTN (titin; minus strand). Cytogenetic location: 2q31.2.
Variant type: single nucleotide variant.
Coding change: c.75148G>T on transcript NM_001267550.2 (MANE Select); coding-DNA position 75148, G replaced by T.
Protein change: p.Glu25050Ter; replaces glutamic acid 25050 with a stop codon.
Molecular consequence: nonsense.
Genome position (GRCh38, 1-based): chr2:178,570,984, C>A on the plus strand (G>T on the coding strand, the complement: TTN is on the minus strand). VCF-style: chr2-178570984-C-A. GRCh37 (hg19) VCF-style: chr2-179435711-C-A.
Other names: c.70225G>T, p.Glu23409Ter (NM_001256850.1); c.47953G>T, p.Glu15985Ter (NM_003319.4); c.67444G>T, p.Glu22482Ter (NM_133378.4); c.48328G>T, p.Glu16110Ter (NM_133432.3); c.48529G>T, p.Glu16177Ter (NM_133437.4); short protein forms E15985*, E16110*, E16177*, E22482*, E23409*, E25050*.
Identifiers: ClinVar variation 1068305 (VCV001068305.11), dbSNP rs770754919, ClinGen allele CA349628602.

ClinVar aggregate classification (germline): Likely pathogenic (1 of 4 stars; one submission).

Conditions:
Dilated cardiomyopathy 1G (CMD1G). Identifiers: Orphanet 154, MedGen C1858763, MONDO:0011400, OMIM 604145.
Autosomal recessive limb-girdle muscular dystrophy type 2J (LGMDR10). Also called: Limb-girdle muscular dystrophy, type 2J; MUSCULAR DYSTROPHY, LIMB-GIRDLE, AUTOSOMAL RECESSIVE 10. Identifiers: Orphanet 140922, MedGen C1837342, MONDO:0012127, OMIM 608807.

Submission:

Labcorp Genetics (formerly Invitae), Labcorp
Classification: Likely pathogenic for Dilated cardiomyopathy 1G; Autosomal recessive limb-girdle muscular dystrophy type 2J. Last evaluated: 2020-03-16. Review status: criteria provided, single submitter. Criteria: Invitae Variant Classification Sherloc (09022015). Collection method: clinical testing. Allele origin: germline.
Comment: This sequence change results in a premature translational stop signal in the TTN gene (p.Glu25050*). While this is not anticipated to result in nonsense mediated decay, it is expected to create a truncated TTN protein. This variant is not present in population databases (ExAC no frequency). This variant has not been reported in the literature in individuals with TTN-related conditions. This variant is located in the A band of TTN (PMID: 25589632). Truncating variants in this region are significantly overrepresented in patients affected with dilated cardiomyopathy (PMID: 25589632). Truncating variants in this region have also been reported in individuals affected with autosomal recessive centronuclear myopathy (PMID: 23975875). In summary, the currently available evidence indicates that the variant is pathogenic, but additional data are needed to prove that conclusively. Therefore, this variant has been classified as Likely Pathogenic.

Literature cited by the submitters: PubMed 25589632; PubMed 23975875.